The following is an entry in ClinVar:

ClinVar aggregate classification (germline): Uncertain significance (1 of 4 stars; one submission).

Conditions:
Adams-Oliver syndrome 5 (AOS5). Identifiers: Orphanet 974, MedGen C4014970, MONDO:0014459, OMIM 616028.

gnomAD v4.1: 2 of 1,611,764 alleles (0.00012%); highest among the groups gnomAD compares: South Asian, 0.0022%; no homozygotes.

Submission:

Labcorp Genetics (formerly Invitae), Labcorp
Classification: Uncertain significance for Adams-Oliver syndrome 5. Last evaluated: 2024-02-17. Review status: criteria provided, single submitter. Criteria: Invitae Variant Classification Sherloc (09022015). Collection method: clinical testing. Allele origin: germline.
Comment: This sequence change replaces threonine, which is neutral and polar, with isoleucine, which is neutral and non-polar, at codon 108 of the NOTCH1 protein (p.Thr108Ile). This variant is not present in population databases (gnomAD no frequency). This variant has not been reported in the literature in individuals affected with NOTCH1-related conditions. Advanced modeling of protein sequence and biophysical properties (such as structural, functional, and spatial information, amino acid conservation, physicochemical variation, residue mobility, and thermodynamic stability) performed at Invitae indicates that this missense variant is not expected to disrupt NOTCH1 protein function with a negative predictive value of 95%. In summary, the available evidence is currently insufficient to determine the role of this variant in disease. Therefore, it has been classified as a Variant of Uncertain Significance.

NM_017617.5(NOTCH1):c.323C>T (p.Thr108Ile)

Gene: NOTCH1 (notch receptor 1; minus strand). Cytogenetic location: 9q34.3.
Variant type: single nucleotide variant.
Coding change: c.323C>T on transcript NM_017617.5 (MANE Select); coding-DNA position 323, C replaced by T.
Protein change: p.Thr108Ile; replaces threonine 108 with isoleucine.
Molecular consequence: missense variant.
Genome position (GRCh38, 1-based): chr9:136,523,797, G>A on the plus strand (C>T on the coding strand, the complement: NOTCH1 is on the minus strand). VCF-style: chr9-136523797-G-A. GRCh37 (hg19) VCF-style: chr9-139418249-G-A.
Other names: short protein forms T108I.
Identifiers: ClinVar variation 3704783 (VCV003704783.2).